The following is an entry in ClinVar:

ClinVar aggregate classification (germline): Uncertain significance (1 of 4 stars; one submission).

Conditions:
Hereditary cancer-predisposing syndrome. Also called: Tumor predisposition; Hereditary Cancer Syndrome; Hereditary neoplastic syndrome; Neoplastic Syndromes, Hereditary. Identifiers: Orphanet 140162, MedGen C0027672, MeSH D009386, MONDO:0015356.

Submission:

Ambry Genetics
Classification: Uncertain significance for Hereditary cancer-predisposing syndrome. Last evaluated: 2024-05-15. Review status: criteria provided, single submitter. Criteria: Ambry Variant Classification Scheme 2023. Collection method: clinical testing. Allele origin: germline.
Comment: The p.M153V variant (also known as c.457A>G), located in coding exon 5 of the MUTYH gene, results from an A to G substitution at nucleotide position 457. The methionine at codon 153 is replaced by valine, an amino acid with highly similar properties. This amino acid position is conserved. In addition, this alteration is predicted to be deleterious by in silico analysis. Based on the available evidence, the clinical significance of this variant remains unclear.

NM_001048174.2(MUTYH):c.373A>G (p.Met125Val)

Gene: MUTYH (mutY DNA glycosylase; minus strand). Cytogenetic location: 1p34.1.
Variant type: single nucleotide variant.
Coding change: c.373A>G on transcript NM_001048174.2 (MANE Select); coding-DNA position 373, A replaced by G.
Protein change: p.Met125Val; replaces methionine 125 with valine.
Molecular consequence: missense variant. On other transcripts: non-coding transcript variant (6), intron variant (3).
Genome position (GRCh38, 1-based): chr1:45,333,102, T>C on the plus strand (A>G on the coding strand, the complement: MUTYH is on the minus strand). VCF-style: chr1-45333102-T-C. GRCh37 (hg19) VCF-style: chr1-45798774-T-C.
Other names: c.373A>G, p.Met125Val (NM_001048171.2, NM_001048173.2, NM_001407080.1 and 6 more transcripts); c.376A>G, p.Met126Val (NM_001048172.2, NM_001407079.1, NM_001407086.1 and 2 more transcripts); c.457A>G, p.Met153Val (NM_001128425.2); c.418A>G, p.Met140Val (NM_001293190.2); c.406A>G, p.Met136Val (NM_001293191.2, NM_001407077.1); c.97A>G, p.Met33Val (NM_001293192.2, NM_001407091.1, NM_001293196.2); c.415A>G, p.Met139Val (NM_001407083.1, NM_001407085.1, NM_001407073.1); c.394A>G, p.Met132Val (NM_001407087.1); and 3 more; short protein forms M140V, M150V, M33V, M97V, M126V, M132V, M136V, M125V.
Identifiers: ClinVar variation 3297063 (VCV003297063.1).